The following is an entry in ClinVar:

ClinVar aggregate classification (germline): Uncertain significance (1 of 4 stars; one submission).

gnomAD v4.1: 7 of 1,614,044 alleles (0.00043%); highest among the groups gnomAD compares: Non-Finnish European, 0.00059%; no homozygotes.

Submission:

Labcorp Genetics (formerly Invitae), Labcorp
Classification: Uncertain significance. Last evaluated: 2025-02-20. Review status: criteria provided, single submitter. Criteria: Invitae Variant Classification Sherloc (09022015). Collection method: clinical testing. Allele origin: germline.
Comment: This sequence change replaces alanine, which is neutral and non-polar, with valine, which is neutral and non-polar, at codon 349 of the NYNRIN protein (p.Ala349Val). This variant is not present in population databases (gnomAD no frequency). This variant has not been reported in the literature in individuals affected with NYNRIN-related conditions. In summary, the available evidence is currently insufficient to determine the role of this variant in disease. Therefore, it has been classified as a Variant of Uncertain Significance.

NM_025081.3(NYNRIN):c.1046C>T (p.Ala349Val)

Gene: NYNRIN (NYN domain and retroviral integrase containing; plus strand). Cytogenetic location: 14q12.
Variant type: single nucleotide variant.
Coding change: c.1046C>T on transcript NM_025081.3 (MANE Select); coding-DNA position 1046, C replaced by T.
Protein change: p.Ala349Val; replaces alanine 349 with valine.
Molecular consequence: missense variant.
Genome position (GRCh38, 1-based): chr14:24,408,840, C>T. VCF-style: chr14-24408840-C-T. GRCh37 (hg19) VCF-style: chr14-24878046-C-T.
Other names: short protein forms A349V.
Identifiers: ClinVar variation 3718783 (VCV003718783.2).